The following is an entry in ClinVar:

NM_000195.5(HPS1):c.80G>A (p.Arg27Gln)

Gene: HPS1 (HPS1 biogenesis of lysosomal organelles complex 3 subunit 1; minus strand). Cytogenetic location: 10q24.2.
Variant type: single nucleotide variant.
Coding change: c.80G>A on transcript NM_000195.5 (MANE Select); coding-DNA position 80, G replaced by A.
Protein change: p.Arg27Gln; replaces arginine 27 with glutamine.
Molecular consequence: missense variant. On other transcripts: 5 prime UTR variant (6).
Genome position (GRCh38, 1-based): chr10:98,443,161, C>T on the plus strand (G>A on the coding strand, the complement: HPS1 is on the minus strand). VCF-style: chr10-98443161-C-T. GRCh37 (hg19) VCF-style: chr10-100202918-C-T.
Other names: c.-837G>A (NM_001311345.2); c.80G>A, p.Arg27Gln (NM_001322476.2, NM_001322477.2, NM_001322478.2 and 8 more transcripts); c.-147G>A (NM_001322483.2, NM_001322484.2, NM_001322485.2); c.-936G>A (NM_001322487.2); c.-694G>A (NM_001322489.2); short protein forms R27Q.
Identifiers: ClinVar variation 717163 (VCV000717163.16), dbSNP rs116143727, ClinGen allele CA5639518.
Genomic context (GRCh38, chr10:98,443,161, plus strand): 5'-GGGACTGCCTACCCTGCACTCACCTCTTCTTCCTCATTCTCTGACTGCCCGAACTTCAGC[C>T]GGAGACTCTCTTCAAACTCCTGATCTGTCCAGTAGAAGAGGACCTCTGCGCCCTCAGTGG-3'
Protein context (NP_000186.2, residues 17-37): WTDQEFEESL[Arg27Gln]LKFGQSENEE

ClinVar aggregate classification (germline): Likely benign. Review status: criteria provided, multiple submitters, no conflicts (2 of 4 stars). 5 submissions from 5 submitters: Likely benign (3). 2 of the submissions do not count toward it. Last evaluated 2026-01-31.

Conditions:
HPS1-related disorder. Also called: HPS1-related condition.
Hermansky-Pudlak syndrome (HPS). Also called: ALBINISM WITH HEMORRHAGIC DIATHESIS AND PIGMENTED RETICULOENDOTHELIAL CELLS. Identifiers: Orphanet 79430, MedGen C0079504, MONDO:0019312.
Hermansky-Pudlak syndrome 1 (HPS1). Also called: DELTA STORAGE POOL DISEASE. Identifiers: Orphanet 231500, Orphanet 79430, MedGen C2931875, MONDO:0008748, OMIM 203300.

Allele frequency attached by ClinVar (database versions not stated): gnomAD exomes 0.00047; ExAC 0.00063; 1000 Genomes Project 0.00180; gnomAD 0.00180 and 0.00193; 1000 Genomes Project 30x 0.00187; TOPMed 0.00207; ESP Exome Variant Server 0.00223.

Submissions (5):

Labcorp Genetics (formerly Invitae), Labcorp
Classification: Likely benign. Last evaluated: 2026-01-31. Review status: criteria provided, single submitter. Criteria: Invitae Variant Classification Sherloc (09022015). Collection method: clinical testing. Allele origin: germline.

Blueprint Genetics
Classification: Likely benign. Last evaluated: 2024-10-16. Review status: criteria provided, single submitter. Criteria: ACMG Guidelines, 2015. Collection method: clinical testing. Allele origin: germline.

Fulgent Genetics
Classification: Likely benign for Hermansky-Pudlak syndrome 1. Last evaluated: 2021-10-03. Review status: criteria provided, single submitter. Criteria: ACMG Guidelines, 2015. Collection method: clinical testing. Allele origin: unknown.

PreventionGenetics, part of Exact Sciences
Classification: Likely benign for HPS1-related condition. Last evaluated: 2019-12-05. Review status: no assertion criteria provided. Collection method: clinical testing. Allele origin: germline. Not counted in ClinVar's aggregate classification.
Comment: This variant is classified as likely benign based on ACMG/AMP sequence variant interpretation guidelines (Richards et al. 2015 PMID: 25741868, with internal and published modifications).

Natera, Inc.
Classification: Benign for Hermansky-Pudlak syndrome. Last evaluated: 2019-10-21. Review status: no assertion criteria provided. Collection method: clinical testing. Allele origin: germline. Not counted in ClinVar's aggregate classification.